The following is an entry in ClinVar:

NM_001369.3(DNAH5):c.962C>T (p.Ser321Leu)

Gene: DNAH5 (dynein axonemal heavy chain 5; minus strand). Cytogenetic location: 5p15.2.
Variant type: single nucleotide variant.
Coding change: c.962C>T on transcript NM_001369.3 (MANE Select); coding-DNA position 962, C replaced by T.
Protein change: p.Ser321Leu; replaces serine 321 with leucine.
Molecular consequence: missense variant.
Genome position (GRCh38, 1-based): chr5:13,919,189, G>A on the plus strand (C>T on the coding strand, the complement: DNAH5 is on the minus strand). VCF-style: chr5-13919189-G-A. GRCh37 (hg19) VCF-style: chr5-13919298-G-A.
Other names: short protein forms S321L.
Identifiers: ClinVar variation 407231 (VCV000407231.39), dbSNP rs201077964, ClinGen allele CA3205026.

ClinVar aggregate classification (germline): Conflicting classifications of pathogenicity. Review status: criteria provided, conflicting classifications (1 of 4 stars). 9 submissions from 9 submitters: Uncertain significance (6); Likely benign (1). 2 of the submissions do not count toward it. Last evaluated 2026-01-27.

Conditions:
Primary ciliary dyskinesia 3. Identifiers: Orphanet 244, MedGen C1837618, MONDO:0012085, OMIM 608644.
DNAH5-related disorder. Also called: DNAH5-related condition.
Primary ciliary dyskinesia. Also called: Ciliary dyskinesia. Identifiers: Orphanet 244, MedGen C0008780, MONDO:0016575, HP:0012265.

Allele frequency attached by ClinVar (database versions not stated): TOPMed 0.00027; ExAC 0.00030; ESP Exome Variant Server 0.00031; gnomAD 0.00038 and 0.00040; gnomAD exomes 0.00051.
gnomAD v4.1: 785 of 1,613,656 alleles (0.049%); highest among the groups gnomAD compares: Non-Finnish European, 0.062%; no homozygotes.

Submissions (9):

Labcorp Genetics (formerly Invitae), Labcorp
Classification: Likely benign for Primary ciliary dyskinesia. Last evaluated: 2026-01-27. Review status: criteria provided, single submitter. Criteria: Invitae Variant Classification Sherloc (09022015). Collection method: clinical testing. Allele origin: germline.

PreventionGenetics, part of Exact Sciences
Classification: Uncertain significance for DNAH5-related condition. Last evaluated: 2025-12-30. Review status: criteria provided, single submitter. Criteria: ACMG Guidelines, 2015. Collection method: clinical testing. Allele origin: germline.
Comment: The DNAH5 c.962C>T variant is predicted to result in the amino acid substitution p.Ser321Leu. To our knowledge, this variant has not been reported in the literature. This variant is reported in 0.055% of alleles in individuals of European (Non-Finnish) descent in gnomAD, which is likely too common for an undocumented disease-causing variant. Although we suspect that this variant may be benign, at this time, the clinical significance of this variant is uncertain due to the absence of conclusive functional and genetic evidence.

Blueprint Genetics
Classification: Uncertain significance. Last evaluated: 2024-11-26. Review status: criteria provided, single submitter. Criteria: ACMG Guidelines, 2015. Collection method: clinical testing. Allele origin: germline.

CeGaT Center for Human Genetics Tuebingen
Classification: Uncertain significance. Last evaluated: 2023-12-01. Review status: criteria provided, single submitter. Criteria: CeGaT Center For Human Genetics Tuebingen Variant Classification Criteria Version 2. Collection method: clinical testing. Allele origin: germline. Affected: yes. Observed: 1 variant allele.

Department of Pathology and Laboratory Medicine, Sinai Health System
Classification: Uncertain significance for primary ciliary dyskinesia 3. Last evaluated: 2022-10-03. Review status: criteria provided, single submitter. Criteria: ACMG Guidelines, 2015. Collection method: research. Allele origin: germline.

Ambry Genetics
Classification: Uncertain significance for Primary ciliary dyskinesia. Last evaluated: 2018-04-20. Review status: criteria provided, single submitter. Criteria: Ambry Variant Classification Scheme 2023. Collection method: clinical testing. Allele origin: germline.
Comment: The p.S321L variant (also known as c.962C>T), located in coding exon 7 of the DNAH5 gene, results from a C to T substitution at nucleotide position 962. The serine at codon 321 is replaced by leucine, an amino acid with dissimilar properties. This amino acid position is highly conserved in available vertebrate species. In addition, the in silico prediction for this alteration is inconclusive. Since supporting evidence is limited at this time, the clinical significance of this alteration remains unclear.

Illumina Laboratory Services, Illumina
Classification: Uncertain significance for Primary ciliary dyskinesia 3. Last evaluated: 2017-04-27. Review status: criteria provided, single submitter. Criteria: ICSL Variant Classification Criteria 13 December 2019. Collection method: clinical testing. Allele origin: germline.

Natera, Inc.
Classification: Uncertain significance for Primary ciliary dyskinesia. Last evaluated: 2019-10-28. Review status: no assertion criteria provided. Collection method: clinical testing. Allele origin: germline. Not counted in ClinVar's aggregate classification.

Bioscientia Institut fuer Medizinische Diagnostik GmbH, Sonic Healthcare
Classification: Likely pathogenic for Primary ciliary dyskinesia 3. Last evaluated: 2017-09-18. Review status: no assertion criteria provided. Collection method: clinical testing. Allele origin: germline. Affected: yes. Not counted in ClinVar's aggregate classification.